The following is an entry in ClinVar:

NM_001042492.3(NF1):c.4046C>T (p.Ala1349Val)

Gene: NF1 (neurofibromin 1; plus strand). Cytogenetic location: 17q11.2.
Variant type: single nucleotide variant.
Coding change: c.4046C>T on transcript NM_001042492.3 (MANE Select); coding-DNA position 4046, C replaced by T.
Protein change: p.Ala1349Val; replaces alanine 1349 with valine.
Molecular consequence: missense variant.
Genome position (GRCh38, 1-based): chr17:31,249,055, C>T. VCF-style: chr17-31249055-C-T. GRCh37 (hg19) VCF-style: chr17-29576073-C-T.
Other names: c.4046C>T, p.Ala1349Val (NM_000267.4); short protein forms A1349V.
Identifiers: ClinVar variation 824536 (VCV000824536.11), dbSNP rs1229215269, ClinGen allele CA398994969.
Genomic context (GRCh38, chr17:31,249,055, plus strand): 5'-CAGAGAGCCTTGAGGAAAACCAGCGGAACCTCCTTCAGATGACTGAAAAGTTCTTCCATG[C>T]CATCATCAGTTCCTCCTCAGAATTCCCCCCTCAACTTCGAAGTGTGTGCCACTGTTTATA-3'
Protein context (NP_001035957.1, residues 1339-1359): LLQMTEKFFH[Ala1349Val]IISSSSEFPP

ClinVar aggregate classification (germline): Uncertain significance. Review status: criteria provided, multiple submitters, no conflicts (2 of 4 stars). 3 submissions from 3 submitters: Uncertain significance (3). Last evaluated 2025-07-29.

Conditions:
Neurofibromatosis, type 1 (NF1). Also called: Neurofibromatosis, type I; Peripheral type neurofibromatosis; VON RECKLINGHAUSEN DISEASE; NEUROFIBROMATOSIS, TYPE I, SOMATIC. Identifiers: Orphanet 636, MedGen C0027831, MONDO:0018975, OMIM 162200. Disease mechanism: loss of function.
Hereditary cancer-predisposing syndrome. Also called: Neoplastic Syndromes, Hereditary; Hereditary Cancer Syndrome; Hereditary neoplastic syndrome; Tumor predisposition. Identifiers: Orphanet 140162, MedGen C0027672, MeSH D009386, MONDO:0015356.
Cardiovascular phenotype. Identifiers: MedGen CN230736.

gnomAD v4.1: 2 of 1,614,050 alleles (0.00012%); highest among the groups gnomAD compares: Non-Finnish European, 0.00017%; no homozygotes.

Submissions (3):

Labcorp Genetics (formerly Invitae), Labcorp
Classification: Uncertain significance for Neurofibromatosis, type 1. Last evaluated: 2025-07-29. Review status: criteria provided, single submitter. Criteria: Invitae Variant Classification Sherloc (09022015). Collection method: clinical testing. Allele origin: germline.
Comment: This sequence change replaces alanine, which is neutral and non-polar, with valine, which is neutral and non-polar, at codon 1349 of the NF1 protein (p.Ala1349Val). This variant is not present in population databases (gnomAD no frequency). This variant has not been reported in the literature in individuals affected with NF1-related conditions. ClinVar contains an entry for this variant (Variation ID: 824536). Invitae Evidence Modeling of protein sequence and biophysical properties (such as structural, functional, and spatial information, amino acid conservation, physicochemical variation, residue mobility, and thermodynamic stability) indicates that this missense variant is expected to disrupt NF1 protein function with a positive predictive value of 95%. In summary, the available evidence is currently insufficient to determine the role of this variant in disease. Therefore, it has been classified as a Variant of Uncertain Significance.

Ambry Genetics
Classification: Uncertain significance for Cardiovascular phenotype; Hereditary cancer-predisposing syndrome. Last evaluated: 2024-10-19. Review status: criteria provided, single submitter. Criteria: Ambry Variant Classification Scheme 2023. Collection method: clinical testing. Allele origin: germline.
Comment: The p.A1349V variant (also known as c.4046C>T), located in coding exon 30 of the NF1 gene, results from a C to T substitution at nucleotide position 4046. The alanine at codon 1349 is replaced by valine, an amino acid with similar properties. This amino acid position is highly conserved in available vertebrate species. In addition, this alteration is predicted to be deleterious by in silico analysis. Since supporting evidence is limited at this time, the clinical significance of this alteration remains unclear.

Genome-Nilou Lab
Classification: Uncertain significance for Neurofibromatosis, type 1. Last evaluated: 2022-03-15. Review status: criteria provided, single submitter. Criteria: ACMG Guidelines, 2015. Collection method: clinical testing. Allele origin: germline. Affected: no.